The following is an entry in ClinVar:

NM_006361.6(HOXB13):c.647G>A (p.Gly216Asp)

Gene: HOXB13 (homeobox B13; minus strand). Cytogenetic location: 17q21.32.
Variant type: single nucleotide variant.
Coding change: c.647G>A on transcript NM_006361.6 (MANE Select); coding-DNA position 647, G replaced by A.
Protein change: p.Gly216Asp; replaces glycine 216 with aspartic acid.
Molecular consequence: missense variant.
Genome position (GRCh38, 1-based): chr17:48,726,998, C>T on the plus strand (G>A on the coding strand, the complement: HOXB13 is on the minus strand). VCF-style: chr17-48726998-C-T. GRCh37 (hg19) VCF-style: chr17-46804360-C-T.
Other names: short protein forms G216D.
Identifiers: ClinVar variation 1721717 (VCV001721717.8), dbSNP rs2143067525, ClinGen allele CA400106885.

ClinVar aggregate classification (germline): Uncertain significance. Review status: criteria provided, multiple submitters, no conflicts (2 of 4 stars). 2 submissions from 2 submitters: Uncertain significance (2). Last evaluated 2022-10-16.

Conditions:
Hereditary cancer-predisposing syndrome. Also called: Hereditary neoplastic syndrome; Neoplastic Syndromes, Hereditary; Hereditary Cancer Syndrome; Tumor predisposition. Identifiers: Orphanet 140162, MedGen C0027672, MeSH D009386, MONDO:0015356.

Submissions (2):

Labcorp Genetics (formerly Invitae), Labcorp
Classification: Uncertain significance. Last evaluated: 2022-10-16. Review status: criteria provided, single submitter. Criteria: Invitae Variant Classification Sherloc (09022015). Collection method: clinical testing. Allele origin: germline.
Comment: In summary, the available evidence is currently insufficient to determine the role of this variant in disease. Therefore, it has been classified as a Variant of Uncertain Significance. Advanced modeling of protein sequence and biophysical properties (such as structural, functional, and spatial information, amino acid conservation, physicochemical variation, residue mobility, and thermodynamic stability) performed at Invitae indicates that this missense variant is not expected to disrupt HOXB13 protein function. This variant has not been reported in the literature in individuals affected with HOXB13-related conditions. This variant is not present in population databases (gnomAD no frequency). This sequence change replaces glycine, which is neutral and non-polar, with aspartic acid, which is acidic and polar, at codon 216 of the HOXB13 protein (p.Gly216Asp).

Ambry Genetics
Classification: Uncertain significance for Hereditary cancer-predisposing syndrome. Last evaluated: 2022-06-24. Review status: criteria provided, single submitter. Criteria: Ambry Variant Classification Scheme 2023. Collection method: clinical testing. Allele origin: germline.
Comment: The p.G216D variant (also known as c.647G>A), located in coding exon 2 of the HOXB13 gene, results from a G to A substitution at nucleotide position 647. The glycine at codon 216 is replaced by aspartic acid, an amino acid with similar properties. This amino acid position is conserved. In addition, this alteration is predicted to be deleterious by in silico analysis. Since supporting evidence is limited at this time, the clinical significance of this alteration remains unclear.